The following is an entry in ClinVar:

ClinVar aggregate classification (germline): Pathogenic/Likely pathogenic. Review status: criteria provided, multiple submitters, no conflicts (2 of 4 stars). 3 submissions from 3 submitters: Pathogenic (2); Likely pathogenic (1). Last evaluated 2025-09-02.

Conditions:
NMNAT1-related disorder. Also called: NMNAT1-related condition.
Leber congenital amaurosis 9 (LCA9). Also called: LCA 9; Amaurosis congenita of Leber, type 9; LCA9 Leber Congenital Amaurosis. Identifiers: Orphanet 65, MedGen C1837873, MONDO:0012056, OMIM 608553.

Allele frequency attached by ClinVar (database versions not stated): TOPMed 0.00001; gnomAD 0.00002; gnomAD exomes 0.00008; ExAC 0.00013.

Submissions (3):

Labcorp Genetics (formerly Invitae), Labcorp
Classification: Pathogenic for Leber congenital amaurosis 9. Last evaluated: 2025-09-02. Review status: criteria provided, single submitter. Criteria: Invitae Variant Classification Sherloc (09022015). Collection method: clinical testing. Allele origin: germline.
Comment: This sequence change replaces arginine, which is basic and polar, with tryptophan, which is neutral and slightly polar, at codon 66 of the NMNAT1 protein (p.Arg66Trp). This variant is present in population databases (rs763325435, gnomAD 0.03%). This missense change has been observed in individual(s) with Leber congenital amaurosis (PMID: 22842227, 24791140, 28453600). In at least one individual the data is consistent with being in trans (on the opposite chromosome) from a pathogenic variant. It has also been observed to segregate with disease in related individuals. ClinVar contains an entry for this variant (Variation ID: 982555). Invitae Evidence Modeling of protein sequence and biophysical properties (such as structural, functional, and spatial information, amino acid conservation, physicochemical variation, residue mobility, and thermodynamic stability) indicates that this missense variant is expected to disrupt NMNAT1 protein function with a positive predictive value of 80%. Experimental studies have shown that this missense change affects NMNAT1 function (PMID: 22842227, 26018082). For these reasons, this variant has been classified as Pathogenic.

3billion
Classification: Likely pathogenic for Leber congenital amaurosis 9. Last evaluated: 2024-10-23. Review status: criteria provided, single submitter. Criteria: ACMG Guidelines, 2015. Collection method: clinical testing. Allele origin: germline. Affected: yes.
Comment: The variant is observed at an extremely low frequency in the gnomAD v4.1.0 dataset (total allele frequency: 0.004%). Predicted Consequence/Location: Missense variant In silico tool predictions suggest damaging effect of the variant on gene or gene product [REVEL: 0.98 (>=0.6, sensitivity 0.68 and specificity 0.92); 3Cnet: 0.99 (>=0.6, sensitivity 0.72 and precision 0.9)]. The same nucleotide change resulting in the same amino acid change has been previously reported to be associated with NMNAT1 related disorder (ClinVar ID: VCV000982555 /PMID: 22842227 /3billion dataset).The variant has been reported to be in trans with a pathogenic variant as either compound heterozygous or homozygous in at least 2 similarly affected unrelated individuals (PMID: 22842227). A different missense change at the same codon (p.Arg66Gln) has been reported to be associated with NMNAT1 related disorder (PMID: 25412400). Therefore, this variant is classified as Likely pathogenic according to the recommendation of ACMG/AMP guideline.

Blueprint Genetics
Classification: Pathogenic for NMNAT1-related disorders. Last evaluated: 2024-08-27. Review status: criteria provided, single submitter. Criteria: ACMG Guidelines, 2015. Collection method: clinical testing. Allele origin: germline. Affected: yes. Observed: 4 variant alleles.

Literature cited by the submitters: PubMed 22842227 (cited by Labcorp Genetics (formerly Invitae), Labcorp and 3billion); PubMed 24791140 (cited by Labcorp Genetics (formerly Invitae), Labcorp); PubMed 28453600 (cited by Labcorp Genetics (formerly Invitae), Labcorp); PubMed 26018082 (cited by Labcorp Genetics (formerly Invitae), Labcorp); PubMed 25412400 (cited by 3billion).

NM_022787.4(NMNAT1):c.196C>T (p.Arg66Trp)

Gene: NMNAT1 (nicotinamide nucleotide adenylyltransferase 1; plus strand). Cytogenetic location: 1p36.22.
Variant type: single nucleotide variant.
Coding change: c.196C>T on transcript NM_022787.4 (MANE Select); coding-DNA position 196, C replaced by T.
Protein change: p.Arg66Trp; replaces arginine 66 with tryptophan.
Molecular consequence: missense variant.
Genome position (GRCh38, 1-based): chr1:9,975,672, C>T. VCF-style: chr1-9975672-C-T. GRCh37 (hg19) VCF-style: chr1-10035730-C-T.
Other names: c.196C>T, p.Arg66Trp (NM_001297778.1, NM_001297779.2); short protein forms R66W.
Identifiers: ClinVar variation 982555 (VCV000982555.11), dbSNP rs763325435, ClinGen allele CA579178.